The following is an entry in ClinVar:

ClinVar aggregate classification (germline): Likely pathogenic (1 of 4 stars; one submission).

Allele frequency attached by ClinVar (database versions not stated): TOPMed below 0.00001.
gnomAD v4.1: 5 of 1,605,144 alleles (0.00031%); highest among the groups gnomAD compares: South Asian, 0.0022%; no homozygotes.

Submission:

Labcorp Genetics (formerly Invitae), Labcorp
Classification: Likely pathogenic. Last evaluated: 2022-09-19. Review status: criteria provided, single submitter. Criteria: Invitae Variant Classification Sherloc (09022015). Collection method: clinical testing. Allele origin: germline.
Comment: Algorithms developed to predict the effect of sequence changes on RNA splicing suggest that this variant may disrupt the consensus splice site. In summary, the currently available evidence indicates that the variant is pathogenic, but additional data are needed to prove that conclusively. Therefore, this variant has been classified as Likely Pathogenic. This sequence change affects an acceptor splice site in intron 11 of the HTT gene. It is expected to disrupt RNA splicing. Variants that disrupt the donor or acceptor splice site typically lead to a loss of protein function (PMID: 16199547), and loss-of-function variants in HTT are known to be pathogenic (PMID: 7550343, 7618107, 7774020, 27329733). ClinVar contains an entry for this variant (Variation ID: 1375718). This variant has not been reported in the literature in individuals affected with HTT-related conditions. This variant is not present in population databases (gnomAD no frequency).

Literature cited by the submitters: PubMed 16199547; PubMed 7550343; PubMed 7618107; PubMed 7774020; PubMed 27329733.

NM_001388492.1(HTT):c.1403-1G>C

Gene: HTT (huntingtin; plus strand). Cytogenetic location: 4p16.3.
Variant type: single nucleotide variant.
Coding change: c.1403-1G>C on transcript NM_001388492.1 (MANE Select); the canonical splice acceptor site of the intron before coding-DNA position 1403, G replaced by C.
Molecular consequence: splice acceptor variant.
Genome position (GRCh38, 1-based): chr4:3,127,263, G>C. VCF-style: chr4-3127263-G-C. GRCh37 (hg19) VCF-style: chr4-3128990-G-C.
Other names: c.1403-1G>C (NM_002111.8).
Identifiers: ClinVar variation 1375718 (VCV001375718.8), dbSNP rs747111841, ClinGen allele CA91432760.